The following is an entry in ClinVar:

ClinVar aggregate classification (germline): Uncertain significance (1 of 4 stars; one submission).

gnomAD v4.1: 1 of 1,608,618 alleles (0.000062%); highest among the groups gnomAD compares: East Asian, 0.0022%; no homozygotes.

Submission:

Ambry Genetics
Classification: Uncertain significance. Last evaluated: 2026-04-28. Review status: criteria provided, single submitter. Criteria: Ambry Variant Classification Scheme 2023. Collection method: clinical testing. Allele origin: germline.
Comment: The p.L145S variant (also known as c.434T>C), located in coding exon 3 of the ATRIP gene, results from a T to C substitution at nucleotide position 434. The leucine at codon 145 is replaced by serine, an amino acid with dissimilar properties. This amino acid position is conserved. In addition, this alteration is predicted to be deleterious by in silico analysis. Based on the available evidence, the clinical significance of this variant remains unclear.

NM_130384.3(ATRIP):c.434T>C (p.Leu145Ser)

Genes: ATRIP (ATR interacting protein; plus strand), ATRIP-TREX1 (ATRIP-TREX1 readthrough; plus strand). Cytogenetic location: 3p21.31.
Variant type: single nucleotide variant.
Coding change: c.434T>C on transcript NM_130384.3 (MANE Select); coding-DNA position 434, T replaced by C.
Protein change: p.Leu145Ser; replaces leucine 145 with serine.
Molecular consequence: missense variant. On other transcripts: non-coding transcript variant (1).
Genome position (GRCh38, 1-based): chr3:48,451,781, T>C. VCF-style: chr3-48451781-T-C. GRCh37 (hg19) VCF-style: chr3-48493187-T-C.
Other names: c.53T>C, p.Leu18Ser (NM_001271022.2); c.155T>C, p.Leu52Ser (NM_001271023.2); c.434T>C, p.Leu145Ser (NM_032166.4); short protein forms L145S, L18S, L52S.
Identifiers: ClinVar variation 4867224 (VCV004867224.1).